The following is an entry in ClinVar:

NM_024306.5(FA2H):c.50A>G (p.Gln17Arg)

Genes: FA2H (fatty acid 2-hydroxylase; minus strand), LOC130059394 (ATAC-STARR-seq lymphoblastoid silent region 7701; plus strand). Cytogenetic location: 16q23.1.
Variant type: single nucleotide variant.
Coding change: c.50A>G on transcript NM_024306.5 (MANE Select); coding-DNA position 50, A replaced by G.
Protein change: p.Gln17Arg; replaces glutamine 17 with arginine.
Molecular consequence: missense variant.
Genome position (GRCh38, 1-based): chr16:74,774,706, T>C on the plus strand (A>G on the coding strand, the complement: FA2H is on the minus strand). VCF-style: chr16-74774706-T-C. GRCh37 (hg19) VCF-style: chr16-74808604-T-C.
Other names: short protein forms Q17R.
Identifiers: ClinVar variation 655132 (VCV000655132.9), dbSNP rs1597577820, ClinGen allele CA396768517.
Genomic context (GRCh38, chr16:74,774,706, plus strand): 5'-GAGAGGTCGTAGAGGCGGGCCCCGCGGCGGACCCAGCACGCGCCGGCCGCCAGGCGCCGC[T>C]GGACCTCGGAGGGCGAGAAGGAGGCGGCGGGGGGCGGAGCGGGGGCCATGGCCGGAGACC-3'
Protein context (NP_077282.3, residues 7-27): PAASFSPSEV[Gln17Arg]RRLAAGACWV

ClinVar aggregate classification (germline): Uncertain significance (1 of 4 stars; one submission).

Conditions:
Spastic paraplegia. Identifiers: MedGen C0037772, HP:0001258.

Allele frequency attached by ClinVar (database versions not stated): gnomAD exomes below 0.00001.
gnomAD v4.1: 3 of 1,362,728 alleles (0.00022%); highest among the groups gnomAD compares: Non-Finnish European, 0.00028%; no homozygotes.

Submission:

Labcorp Genetics (formerly Invitae), Labcorp
Classification: Uncertain significance for Spastic paraplegia. Last evaluated: 2022-10-24. Review status: criteria provided, single submitter. Criteria: Invitae Variant Classification Sherloc (09022015). Collection method: clinical testing. Allele origin: germline.
Comment: In summary, the available evidence is currently insufficient to determine the role of this variant in disease. Therefore, it has been classified as a Variant of Uncertain Significance. Advanced modeling of protein sequence and biophysical properties (such as structural, functional, and spatial information, amino acid conservation, physicochemical variation, residue mobility, and thermodynamic stability) performed at Invitae indicates that this missense variant is not expected to disrupt FA2H protein function. ClinVar contains an entry for this variant (Variation ID: 655132). This variant has not been reported in the literature in individuals affected with FA2H-related conditions. This variant is not present in population databases (gnomAD no frequency). This sequence change replaces glutamine, which is neutral and polar, with arginine, which is basic and polar, at codon 17 of the FA2H protein (p.Gln17Arg).